The following is an entry in ClinVar:

NM_004304.5(ALK):c.3938+1G>C

Gene: ALK (ALK receptor tyrosine kinase; minus strand). Cytogenetic location: 2p23.2.
Variant type: single nucleotide variant.
Coding change: c.3938+1G>C on transcript NM_004304.5 (MANE Select); the canonical splice donor site of the intron after coding-DNA position 3938, G replaced by C.
Molecular consequence: splice donor variant.
Genome position (GRCh38, 1-based): chr2:29,207,170, C>G on the plus strand (G>C on the coding strand, the complement: ALK is on the minus strand). VCF-style: chr2-29207170-C-G. GRCh37 (hg19) VCF-style: chr2-29430036-C-G.
Other names: c.734+1G>C (NM_001353765.2).
Identifiers: ClinVar variation 848783 (VCV000848783.8), dbSNP rs1553390736, ClinGen allele CA346468412.

ClinVar aggregate classification (germline): Uncertain significance (1 of 4 stars; one submission).

Conditions:
Neuroblastoma, susceptibility to, 3. Also called: ALK-Related Neuroblastic Tumor Susceptibility. Identifiers: Orphanet 635, MedGen C2751681, MONDO:0013083, OMIM 613014.

Submission:

Labcorp Genetics (formerly Invitae), Labcorp
Classification: Uncertain significance for Neuroblastoma, susceptibility to, 3. Last evaluated: 2023-08-17. Review status: criteria provided, single submitter. Criteria: Invitae Variant Classification Sherloc (09022015). Collection method: clinical testing. Allele origin: germline.
Comment: In summary, the available evidence is currently insufficient to determine the role of this variant in disease. Therefore, it has been classified as a Variant of Uncertain Significance. Algorithms developed to predict the effect of sequence changes on RNA splicing suggest that this variant may disrupt the consensus splice site. ClinVar contains an entry for this variant (Variation ID: 848783). This variant has not been reported in the literature in individuals affected with ALK-related conditions. This variant is not present in population databases (gnomAD no frequency). This sequence change affects a donor splice site in intron 26 of the ALK gene. It is expected to disrupt RNA splicing. Variants that disrupt the donor or acceptor splice site typically lead to a loss of protein function (PMID: 16199547), however the current clinical and genetic evidence is not sufficient to establish whether loss-of-function variants in ALK cause disease.

Literature cited by the submitters: PubMed 16199547.